The following is an entry in ClinVar:

ClinVar aggregate classification (germline): Uncertain significance. Review status: criteria provided, multiple submitters, no conflicts (2 of 4 stars). 2 submissions from 2 submitters: Uncertain significance (2). Last evaluated 2024-02-24.

Conditions:
Hereditary cancer-predisposing syndrome. Also called: Neoplastic Syndromes, Hereditary; Tumor predisposition; Hereditary neoplastic syndrome; Hereditary Cancer Syndrome. Identifiers: Orphanet 140162, MedGen C0027672, MeSH D009386, MONDO:0015356.
Familial adenomatous polyposis 1 (FAP1). Also called: FAMILIAL ADENOMATOUS POLYPOSIS 1, ATTENUATED; POLYPOSIS, ADENOMATOUS INTESTINAL. Identifiers: MedGen C2713442, MONDO:0021056, OMIM 175100. Disease mechanism: loss of function.

Submissions (2):

Labcorp Genetics (formerly Invitae), Labcorp
Classification: Uncertain significance for Familial adenomatous polyposis 1. Last evaluated: 2024-02-24. Review status: criteria provided, single submitter. Criteria: Invitae Variant Classification Sherloc (09022015). Collection method: clinical testing. Allele origin: germline.
Comment: This sequence change replaces lysine, which is basic and polar, with arginine, which is basic and polar, at codon 738 of the APC protein (p.Lys738Arg). This variant is not present in population databases (gnomAD no frequency). This variant has not been reported in the literature in individuals affected with APC-related conditions. ClinVar contains an entry for this variant (Variation ID: 566805). Advanced modeling of protein sequence and biophysical properties (such as structural, functional, and spatial information, amino acid conservation, physicochemical variation, residue mobility, and thermodynamic stability) performed at Invitae indicates that this missense variant is not expected to disrupt APC protein function with a negative predictive value of 95%. In summary, the available evidence is currently insufficient to determine the role of this variant in disease. Therefore, it has been classified as a Variant of Uncertain Significance.

Ambry Genetics
Classification: Uncertain significance for Hereditary cancer-predisposing syndrome. Last evaluated: 2022-04-28. Review status: criteria provided, single submitter. Criteria: Ambry Variant Classification Scheme 2023. Collection method: clinical testing. Allele origin: germline.
Comment: The p.K738R variant (also known as c.2213A>G), located in coding exon 15 of the APC gene, results from an A to G substitution at nucleotide position 2213. The lysine at codon 738 is replaced by arginine, an amino acid with highly similar properties. This amino acid position is highly conserved in available vertebrate species. In addition, in silico predictors for this gene do not accurately predict pathogenicity. Since supporting evidence is limited at this time, the clinical significance of this alteration remains unclear.

NM_000038.6(APC):c.2213A>G (p.Lys738Arg)

Gene: APC (APC regulator of Wnt signaling pathway; plus strand). Cytogenetic location: 5q22.2.
Variant type: single nucleotide variant.
Coding change: c.2213A>G on transcript NM_000038.6 (MANE Select); coding-DNA position 2213, A replaced by G.
Protein change: p.Lys738Arg; replaces lysine 738 with arginine.
Molecular consequence: missense variant.
Genome position (GRCh38, 1-based): chr5:112,837,807, A>G. VCF-style: chr5-112837807-A-G. GRCh37 (hg19) VCF-style: chr5-112173504-A-G.
Other names: c.2213A>G, p.Lys738Arg (NM_001127510.3, NM_001354895.2); c.2159A>G, p.Lys720Arg (NM_001127511.3); c.2267A>G, p.Lys756Arg (NM_001354896.2); c.2243A>G, p.Lys748Arg (NM_001354897.2); c.2138A>G, p.Lys713Arg (NM_001354898.2); c.2129A>G, p.Lys710Arg (NM_001354899.2); c.2090A>G, p.Lys697Arg (NM_001354900.2); c.2036A>G, p.Lys679Arg (NM_001354901.2); and 5 more; short protein forms K738R, K720R, K637R, K455R, K612R, K710R, K713R, K756R.
Identifiers: ClinVar variation 566805 (VCV000566805.14), dbSNP rs1561575511, ClinGen allele CA16026181.